The following is an entry in ClinVar:

NM_001369.3(DNAH5):c.11136C>T (p.Ser3712=)

Gene: DNAH5 (dynein axonemal heavy chain 5; minus strand). Cytogenetic location: 5p15.2.
Variant type: single nucleotide variant.
Coding change: c.11136C>T on transcript NM_001369.3 (MANE Select); coding-DNA position 11136, C replaced by T.
Protein change: p.Ser3712=; no amino-acid change (serine 3712 retained).
Molecular consequence: synonymous variant.
Genome position (GRCh38, 1-based): chr5:13,751,153, G>A on the plus strand (C>T on the coding strand, the complement: DNAH5 is on the minus strand). VCF-style: chr5-13751153-G-A. GRCh37 (hg19) VCF-style: chr5-13751262-G-A.
Other names: c.11136C>T (NM_001369.2).
Identifiers: ClinVar variation 1093670 (VCV001093670.11), dbSNP rs1170163108, ClinGen allele CA443248410.

ClinVar aggregate classification (germline): Likely benign. Review status: criteria provided, single submitter (1 of 4 stars). 2 submissions from 2 submitters: Likely benign (1). 1 of the submissions does not count toward it. Last evaluated 2024-11-24.

Conditions:
DNAH5-related disorder. Also called: DNAH5-related condition.
Primary ciliary dyskinesia. Also called: Ciliary dyskinesia. Identifiers: Orphanet 244, MedGen C0008780, MONDO:0016575, HP:0012265.

Allele frequency attached by ClinVar (database versions not stated): gnomAD exomes below 0.00001 and 0.00001; gnomAD 0.00001; TOPMed 0.00001.
gnomAD v4.1: 8 of 1,613,874 alleles (0.0005%); highest among the groups gnomAD compares: Non-Finnish European, 0.00059%; no homozygotes.

Submissions (2):

Labcorp Genetics (formerly Invitae), Labcorp
Classification: Likely benign for Primary ciliary dyskinesia. Last evaluated: 2024-11-24. Review status: criteria provided, single submitter. Criteria: Invitae Variant Classification Sherloc (09022015). Collection method: clinical testing. Allele origin: germline.

PreventionGenetics, part of Exact Sciences
Classification: Likely benign for DNAH5-related condition. Last evaluated: 2019-03-29. Review status: no assertion criteria provided. Collection method: clinical testing. Allele origin: germline. Not counted in ClinVar's aggregate classification.
Comment: This variant is classified as likely benign based on ACMG/AMP sequence variant interpretation guidelines (Richards et al. 2015 PMID: 25741868, with internal and published modifications).